The following is an entry in ClinVar:

NM_002936.6(RNASEH1):c.406A>G (p.Met136Val)

Gene: RNASEH1 (ribonuclease H1; minus strand). Cytogenetic location: 2p25.3.
Variant type: single nucleotide variant.
Coding change: c.406A>G on transcript NM_002936.6 (MANE Select); coding-DNA position 406, A replaced by G.
Protein change: p.Met136Val; replaces methionine 136 with valine.
Molecular consequence: missense variant. On other transcripts: non-coding transcript variant (6).
Genome position (GRCh38, 1-based): chr2:3,552,147, T>C on the plus strand (A>G on the coding strand, the complement: RNASEH1 is on the minus strand). VCF-style: chr2-3552147-T-C. GRCh37 (hg19) VCF-style: chr2-3599737-T-C.
Other names: c.328A>G, p.Met110Val (NM_001286834.3); c.55A>G, p.Met19Val (NM_001286837.3); c.406A>G, p.Met136Val (NM_001378271.1, NM_001378272.1, NM_001378273.1); short protein forms M136V, M19V, M110V.
Identifiers: ClinVar variation 1987885 (VCV001987885.4), dbSNP rs370177133, ClinGen allele CA1516291.

ClinVar aggregate classification (germline): Uncertain significance (1 of 4 stars; one submission).

Allele frequency attached by ClinVar (database versions not stated): ExAC 0.00002; gnomAD 0.00002; TOPMed 0.00004; ESP Exome Variant Server 0.00008.

Submission:

Labcorp Genetics (formerly Invitae), Labcorp
Classification: Uncertain significance. Last evaluated: 2024-06-03. Review status: criteria provided, single submitter. Criteria: Invitae Variant Classification Sherloc (09022015). Collection method: clinical testing. Allele origin: germline.
Comment: This sequence change replaces methionine, which is neutral and non-polar, with valine, which is neutral and non-polar, at codon 136 of the RNASEH1 protein (p.Met136Val). This variant is present in population databases (rs370177133, gnomAD 0.02%). This variant has not been reported in the literature in individuals affected with RNASEH1-related conditions. ClinVar contains an entry for this variant (Variation ID: 1987885). Advanced modeling of protein sequence and biophysical properties (such as structural, functional, and spatial information, amino acid conservation, physicochemical variation, residue mobility, and thermodynamic stability) performed at Invitae indicates that this missense variant is not expected to disrupt RNASEH1 protein function with a negative predictive value of 80%. Algorithms developed to predict the effect of sequence changes on RNA splicing suggest that this variant may disrupt the consensus splice site. In summary, the available evidence is currently insufficient to determine the role of this variant in disease. Therefore, it has been classified as a Variant of Uncertain Significance.